The following is an entry in ClinVar:

ClinVar aggregate classification (germline): Likely benign. Review status: criteria provided, multiple submitters, no conflicts (2 of 4 stars). 2 submissions from 2 submitters: Likely benign (2). Last evaluated 2023-08-09.

Conditions:
Progressive sclerosing poliodystrophy (MTDPS4A). Also called: Alpers-Huttenlocher Syndrome (AHS); Alpers Syndrome; ALPERS PROGRESSIVE INFANTILE POLIODYSTROPHY; Mitochondrial DNA depletion syndrome 4A (Alpers type); ALPERS DIFFUSE DEGENERATION OF CEREBRAL GRAY MATTER WITH HEPATIC CIRRHOSIS; Alpers-Huttenlocher Syndrome. Identifiers: Orphanet 726, MedGen C0205710, MONDO:0008758, OMIM 203700.

Allele frequency attached by ClinVar (database versions not stated): ExAC 0.00001; gnomAD 0.00001; gnomAD exomes 0.00001; TOPMed 0.00001; 1000 Genomes Project 30x 0.00016; 1000 Genomes Project 0.00020.
gnomAD v4.1: 2 of 1,613,226 alleles (0.00012%); highest among the groups gnomAD compares: East Asian, 0.0022%; no homozygotes.

Submissions (2):

Labcorp Genetics (formerly Invitae), Labcorp
Classification: Likely benign for Progressive sclerosing poliodystrophy. Last evaluated: 2023-08-09. Review status: criteria provided, single submitter. Criteria: Invitae Variant Classification Sherloc (09022015). Collection method: clinical testing. Allele origin: germline.

Wong Mito Lab, Molecular and Human Genetics, Baylor College of Medicine
Classification: Likely benign for Progressive sclerosing poliodystrophy. Last evaluated: 2018-10-01. Review status: criteria provided, single submitter. Criteria: ACMG Guidelines, 2015. Collection method: clinical testing. Allele origin: germline.
Comment: The NM_002693.2:c.2426+17G>A (NP_002684.1:p.=) [GRCH38: NC_000015.10:g.89322725C>T] variant in POLG gene is interpretated to be a Likely Benign based on ACMG guidelines (PMID: 25741868). This variant meets the following evidence codes reported in the ACMG-guideline. BP4:Computational evidence/predictors indicate no impact on the POLG structure, function, or protein-protein interaction. BP6:Reputable source(s) without shared data suggest the variant is benign. Based on the evidence criteria codes applied, the variant is suggested to be Likely Benign.

NM_002693.3(POLG):c.2426+17G>A

Gene: POLG (DNA polymerase gamma, catalytic subunit; minus strand). Cytogenetic location: 15q26.1.
Variant type: single nucleotide variant.
Coding change: c.2426+17G>A on transcript NM_002693.3 (MANE Select); 17 bases into the intron after coding-DNA position 2426, G replaced by A.
Molecular consequence: intron variant.
Genome position (GRCh38, 1-based): chr15:89,322,725, C>T on the plus strand (G>A on the coding strand, the complement: POLG is on the minus strand). VCF-style: chr15-89322725-C-T. GRCh37 (hg19) VCF-style: chr15-89865956-C-T.
Other names: c.2426+17G>A (NM_001126131.2).
Identifiers: ClinVar variation 619470 (VCV000619470.6), dbSNP rs572105844, ClinGen allele CA7724492.